The following is an entry in ClinVar:

NM_032043.3(BRIP1):c.918+2dup

Gene: BRIP1 (BRCA1 interacting DNA helicase 1; minus strand). Cytogenetic location: 17q23.2.
Variant type: Duplication.
Coding change: c.918+2dup on transcript NM_032043.3 (MANE Select); the canonical splice donor site of the intron after coding-DNA position 918, one base duplicated (T; older notation c.918+2dupT).
Molecular consequence: splice donor variant.
Genome position (GRCh38, 1-based): chr17:61,808,465, A duplicated on the plus strand (T on the coding strand, the reverse complement: BRIP1 is on the minus strand). VCF-style (leftmost placement, unchanged base first): chr17-61808464-C-CA. GRCh37 (hg19) VCF-style: chr17-59885825-C-CA.
Identifiers: ClinVar variation 3894294 (VCV003894294.1).
Genomic context (GRCh38, chr17:61,808,464, plus strand): 5'-ATACTGAGTAATTTAAATATTTTCAGCCTTATTTTTTCTCTAACACAAAATAACTTTACT[C>CA]ACGTTTTTCCCATCTAGCAATTCCATGCACTTCTCATTTCTGTTGAAGTTACCGACTACC-3'

ClinVar aggregate classification (germline): Uncertain significance (1 of 4 stars; one submission).

Conditions:
Hereditary cancer-predisposing syndrome. Also called: Neoplastic Syndromes, Hereditary; Tumor predisposition; Hereditary Cancer Syndrome; Hereditary neoplastic syndrome. Identifiers: Orphanet 140162, MedGen C0027672, MeSH D009386, MONDO:0015356.

Submission:

Color Diagnostics, LLC DBA Color Health
Classification: Uncertain significance for Hereditary cancer-predisposing syndrome. Last evaluated: 2025-04-07. Review status: criteria provided, single submitter. Criteria: ACMG Guidelines, 2015. Collection method: clinical testing. Allele origin: germline.
Comment: This variant causes the duplication of the +2T nucleotide in the intron 7 splice donor site of the BRIP1 gene. This is essentially the insertion of a T nucleotide between the +2 and +3 positions, resulting in sub-optimal nucleotides at the +3, +5 and +6 positions compared to the consensus splice donor site sequence. Splicing prediction algorithms indicate that this change will have similar deleterious impact as other canonical +1/+2 splicing donor site variants (PMID: 30661751, 35449021). To our knowledge, RNA and functional studies have not been reported for this variant. This variant has not been reported in individuals affected with BRIP1-related disorders in the literature. A canonical splice site variant in the donor site, c.918+1G>A, has been reported to cause splicing defect introducing a premature termination codon (ClinVar accession: SCV000547245.9). This variant has not been identified in the general population by the Genome Aggregation Database (gnomAD). Although there is a suspicion that this variant may be associated with disease, additional RNA and clinical studies are necessary to determine the role of this variant in disease conclusively. Therefore, this variant is classified as a Variant of Uncertain Significance.

Literature cited by the submitters: PubMed 30661751; PubMed 35449021.